The following is an entry in ClinVar:

NM_002439.5(MSH3):c.2977A>G (p.Thr993Ala)

Gene: MSH3 (mutS homolog 3; plus strand). Cytogenetic location: 5q14.1.
Variant type: single nucleotide variant.
Coding change: c.2977A>G on transcript NM_002439.5 (MANE Select); coding-DNA position 2977, A replaced by G.
Protein change: p.Thr993Ala; replaces threonine 993 with alanine.
Molecular consequence: missense variant.
Genome position (GRCh38, 1-based): chr5:80,854,293, A>G. VCF-style: chr5-80854293-A-G. GRCh37 (hg19) VCF-style: chr5-80150112-A-G.
Other names: short protein forms T993A.
Identifiers: ClinVar variation 862902 (VCV000862902.11), dbSNP rs755228303, ClinGen allele CA3328406.
Genomic context (GRCh38, chr5:80,854,293, plus strand): 5'-ATCTTGGATGAACTAGGAAGAGGGACGAGCACTCATGATGGAATTGCCATTGCCTATGCT[A>G]CACTTGAGTATTTCATCAGAGATGTAAGTATCCGGTAAACTGTATTTAAAAAGAAATTAA-3'
Protein context (NP_002430.3, residues 983-1003): THDGIAIAYA[Thr993Ala]LEYFIRDVKS

ClinVar aggregate classification (germline): Uncertain significance. Review status: criteria provided, multiple submitters, no conflicts (2 of 4 stars). 3 submissions from 3 submitters: Uncertain significance (3). Last evaluated 2024-06-04.

Conditions:
Hereditary cancer-predisposing syndrome. Also called: Hereditary Cancer Syndrome; Tumor predisposition; Neoplastic Syndromes, Hereditary; Hereditary neoplastic syndrome. Identifiers: Orphanet 140162, MedGen C0027672, MeSH D009386, MONDO:0015356.
Endometrial carcinoma. Also called: Endometrial carcinoma, somatic. Identifiers: MedGen C0476089, MONDO:0002447, OMIM 608089, HP:0012114.

Allele frequency attached by ClinVar (database versions not stated): gnomAD exomes below 0.00001; ExAC 0.00001.
gnomAD v4.1: 2 of 1,613,876 alleles (0.00012%); highest among the groups gnomAD compares: Non-Finnish European, 0.00017%; no homozygotes.

Submissions (3):

Labcorp Genetics (formerly Invitae), Labcorp
Classification: Uncertain significance. Last evaluated: 2024-06-04. Review status: criteria provided, single submitter. Criteria: Invitae Variant Classification Sherloc (09022015). Collection method: clinical testing. Allele origin: germline.
Comment: This sequence change replaces threonine, which is neutral and polar, with alanine, which is neutral and non-polar, at codon 993 of the MSH3 protein (p.Thr993Ala). This variant is present in population databases (rs755228303, gnomAD 0.0009%). This variant has not been reported in the literature in individuals affected with MSH3-related conditions. ClinVar contains an entry for this variant (Variation ID: 862902). An algorithm developed to predict the effect of missense changes on protein structure and function (PolyPhen-2) suggests that this variant is likely to be disruptive. In summary, the available evidence is currently insufficient to determine the role of this variant in disease. Therefore, it has been classified as a Variant of Uncertain Significance.

Baylor Genetics
Classification: Uncertain significance for Endometrial carcinoma. Last evaluated: 2023-09-06. Review status: criteria provided, single submitter. Criteria: ACMG Guidelines, 2015. Collection method: clinical testing. Allele origin: unknown.

Ambry Genetics
Classification: Uncertain significance for Hereditary cancer-predisposing syndrome. Last evaluated: 2022-08-15. Review status: criteria provided, single submitter. Criteria: Ambry Variant Classification Scheme 2023. Collection method: clinical testing. Allele origin: germline.
Comment: The p.T993A variant (also known as c.2977A>G), located in coding exon 21 of the MSH3 gene, results from an A to G substitution at nucleotide position 2977. The threonine at codon 993 is replaced by alanine, an amino acid with similar properties. This amino acid position is conserved. In addition, this alteration is predicted to be deleterious by in silico analysis. Since supporting evidence is limited at this time, the clinical significance of this alteration remains unclear.